The following is an entry in ClinVar:

NM_001457.4(FLNB):c.282C>T (p.Leu94=)

Gene: FLNB (filamin B; plus strand). Cytogenetic location: 3p14.3.
Variant type: single nucleotide variant.
Coding change: c.282C>T on transcript NM_001457.4 (MANE Select); coding-DNA position 282, C replaced by T.
Protein change: p.Leu94=; no amino-acid change (leucine 94 retained).
Molecular consequence: synonymous variant.
Genome position (GRCh38, 1-based): chr3:58,008,846, C>T. VCF-style: chr3-58008846-C-T. GRCh37 (hg19) VCF-style: chr3-57994573-C-T.
Other names: c.282C>T, p.Leu94= (NM_001164317.2, NM_001164318.2, NM_001164319.2).
Identifiers: ClinVar variation 386345 (VCV000386345.13), dbSNP rs745493076, ClinGen allele CA2467485.

ClinVar aggregate classification (germline): Conflicting classifications of pathogenicity. Review status: criteria provided, conflicting classifications (1 of 4 stars). 4 submissions from 4 submitters: Uncertain significance (1); Likely benign (2). 1 of the submissions does not count toward it. Last evaluated 2025-04-07.

Conditions:
FLNB-related disorder. Also called: FLNB-related condition; FLNB-related disorders. Identifiers: MedGen CN381095.
Connective tissue disorder. Also called: Connective tissue disease. Identifiers: MedGen C0009782, MONDO:0003900.

Allele frequency attached by ClinVar (database versions not stated): ExAC 0.00001; gnomAD 0.00001; gnomAD exomes 0.00001; TOPMed 0.00001.
gnomAD v4.1: 34 of 1,613,574 alleles (0.0021%); highest among the groups gnomAD compares: Middle Eastern, 0.016%; no homozygotes.

Submissions (4):

Labcorp Genetics (formerly Invitae), Labcorp
Classification: Likely benign. Last evaluated: 2025-04-07. Review status: criteria provided, single submitter. Criteria: Invitae Variant Classification Sherloc (09022015). Collection method: clinical testing. Allele origin: germline.

Genome Diagnostics Laboratory, The Hospital for Sick Children
Classification: Uncertain significance for Connective tissue disorder. Last evaluated: 2019-04-01. Review status: criteria provided, single submitter. Criteria: ACMG Guidelines, 2015. Collection method: clinical testing. Allele origin: germline.

GeneDx
Classification: Likely benign. Last evaluated: 2016-05-19. Review status: criteria provided, single submitter. Criteria: GeneDx Variant Classification (06012015). Collection method: clinical testing. Allele origin: germline. Affected: yes.
Comment: This variant is considered likely benign or benign based on one or more of the following criteria: it is a conservative change, it occurs at a poorly conserved position in the protein, it is predicted to be benign by multiple in silico algorithms, and/or has population frequency not consistent with disease.

PreventionGenetics, part of Exact Sciences
Classification: Likely benign for FLNB-related condition. Last evaluated: 2019-10-31. Review status: no assertion criteria provided. Collection method: clinical testing. Allele origin: germline. Not counted in ClinVar's aggregate classification.
Comment: This variant is classified as likely benign based on ACMG/AMP sequence variant interpretation guidelines (Richards et al. 2015 PMID: 25741868, with internal and published modifications).